The following is an entry in ClinVar:

ClinVar aggregate classification (germline): Uncertain significance (1 of 4 stars; one submission).

Conditions:
Spastic paraplegia. Identifiers: MedGen C0037772, HP:0001258.

Submission:

Labcorp Genetics (formerly Invitae), Labcorp
Classification: Uncertain significance for Spastic paraplegia. Last evaluated: 2022-06-15. Review status: criteria provided, single submitter. Criteria: Invitae Variant Classification Sherloc (09022015). Collection method: clinical testing. Allele origin: germline.
Comment: This variant is not present in population databases (gnomAD no frequency). In summary, the available evidence is currently insufficient to determine the role of this variant in disease. Therefore, it has been classified as a Variant of Uncertain Significance. Algorithms developed to predict the effect of missense changes on protein structure and function are either unavailable or do not agree on the potential impact of this missense change (SIFT: "Deleterious"; PolyPhen-2: "Probably Damaging"; Align-GVGD: "Class C0"). This variant has not been reported in the literature in individuals affected with AP4E1-related conditions. This sequence change replaces arginine, which is basic and polar, with serine, which is neutral and polar, at codon 41 of the AP4E1 protein (p.Arg41Ser).

NM_007347.5(AP4E1):c.121C>A (p.Arg41Ser)

Gene: AP4E1 (adaptor related protein complex 4 subunit epsilon 1; plus strand). Cytogenetic location: 15q21.2.
Variant type: single nucleotide variant.
Coding change: c.121C>A on transcript NM_007347.5 (MANE Select); coding-DNA position 121, C replaced by A.
Protein change: p.Arg41Ser; replaces arginine 41 with serine.
Molecular consequence: missense variant. On other transcripts: 5 prime UTR variant (1).
Genome position (GRCh38, 1-based): chr15:50,908,899, C>A. VCF-style: chr15-50908899-C-A. GRCh37 (hg19) VCF-style: chr15-51201096-C-A.
Other names: c.-128C>A (NM_001252127.2); short protein forms R41S.
Identifiers: ClinVar variation 2002014 (VCV002002014.4), dbSNP rs2063530510, ClinGen allele CA392410648.